The following is an entry in ClinVar:

ClinVar aggregate classification (germline): Likely pathogenic. Review status: reviewed by expert panel (3 of 4 stars). 3 submissions from 3 submitters: Likely pathogenic (1). 2 of the submissions do not count toward it. Last evaluated 2022-06-30.

Conditions:
Mitochondrial disease. Also called: Mitochondrial disorder; Mitochondrial disorders. Identifiers: Orphanet 68380, MedGen C0751651, MeSH D028361, MONDO:0044970.
Leber optic atrophy (LHON). Also called: Optic Atrophy, Hereditary, Leber; Leber hereditary optic neuropathy; Leber's disease; Leber's optic atrophy. Identifiers: Orphanet 104, MedGen C0917796, MONDO:0010788, OMIM 535000, HP:0001112.

Submissions (3):

ClinGen Mitochondrial Disease Nuclear and Mitochondrial  Variant Curation Expert Panel, ClinGen
Classification: Likely pathogenic for Mitochondrial disease. Last evaluated: 2022-06-30. Review status: reviewed by expert panel. Criteria: clingen mito disease acmg specifications v1-1. Collection method: curation. Allele origin: germline. Inheritance: Mitochondrial inheritance.
Comment: The m.14495A>G (p.L60S) variant in MT-ND6 has been reported in five individuals from three families, all of whom had LHON (PS4_supporting; PMIDs: 2287992, 11133798). There are no reports of de novo occurrences to our knowledge. This variant segregated with disease in one family with LHON (all testing was performed in blood; affected individuals: proband/mother with variant present at 51% heteroplasmy, sons with variant at 93% and 92%; unaffected individuals: sister with variant at 23%, maternal niece with variant at 53%, and maternal nephew with variant at 37%; PP1_moderate; PMID: 11133798). This variant is absent in the GenBank dataset, Helix dataset, and gnomAD v3.1.2 (PM2_supporting). The computational predictor APOGEE gives a consensus rating of pathogenic with a score of 0.87 (Min=0, Max=1), which predicts a damaging effect on gene function (PP3). There are no cybrid studies, single fiber studies, or other functional assays reported for this variant. This variant meets criteria to be classified as uncertain significance however, after extensive discussion, this Expert Panel elected to modify the classification to likely pathogenic given the strong segregation evidence and consistent phenotype in affected individuals. This classification was approved by the NICHD/NINDS U24 Mitochondrial Disease Variant Curation Expert Panel on April 11, 2022. Mitochondrial DNA-specific ACMG/AMP criteria applied (PMID: 32906214): PS4_supporting, PP1_moderate, PM2_supporting, PP3.

OMIM
Classification: Pathogenic for LEBER OPTIC ATROPHY. Last evaluated: 2001-01-01. Review status: no assertion criteria provided. Collection method: literature only. Allele origin: germline. Not counted in ClinVar's aggregate classification.

GeneReviews
No classification provided. Condition: Leber optic atrophy. Review status: no classification provided. Collection method: literature only. Allele origin: maternal. Not counted in ClinVar's aggregate classification.
Comment: This mitochondrial DNA variant affects function. It hase been identified in at least two independent LHON pedigrees and segregates with affected disease status.

Literature cited by the submitters: PubMed 11133798 (cited by OMIM); PubMed 30143805 (cited by GeneReviews); PubMed 20301353 (cited by GeneReviews).

NC_012920.1(MT-ND6):m.14495A>G

Gene: MT-ND6 (mitochondrially encoded NADH dehydrogenase 6; minus strand).
Variant type: single nucleotide variant.
Genome position: chrM-14495-A-G.
Identifiers: ClinVar variation 9691 (VCV000009691.4), dbSNP rs199476106, ClinGen allele CA340933.